The following is an entry in ClinVar:

ClinVar aggregate classification (germline): Pathogenic (1 of 4 stars; one submission).

Conditions:
Mucopolysaccharidosis type 1. Also called: IDUA deficiency; MPS I. Identifiers: Orphanet 579, MedGen C0023786, MONDO:0001586.

Submission:

Labcorp Genetics (formerly Invitae), Labcorp
Classification: Pathogenic for Mucopolysaccharidosis type 1. Last evaluated: 2022-04-15. Review status: criteria provided, single submitter. Criteria: Invitae Variant Classification Sherloc (09022015). Collection method: clinical testing. Allele origin: germline.
Comment: This variant is a gross deletion of the genomic region encompassing exon(s) 1-2 of the IDUA gene, which includes the initiator codon. This deletion extends beyond the assayed region for this gene and therefore may encompass additional genes. It is expected to result in an absent or disrupted protein product. Loss-of-function variants in IDUA are known to be pathogenic (PMID: 11735025, 21480867). A similar copy number variant has been observed in individual(s) with mucopolysaccharidosis type I (PMID: 27766162). For these reasons, this variant has been classified as Pathogenic.

Literature cited by the submitters: PubMed 11735025; PubMed 21480867; PubMed 27766162.

NC_000004.11:g.(?_980775)_(981747_?)del

Genes: IDUA (alpha-L-iduronidase; plus strand), SLC26A1 (solute carrier family 26 member 1; minus strand). Cytogenetic location: 4p16.3.
Variant type: Deletion.
Identifiers: ClinVar variation 1454673 (VCV001454673.5).